The following is an entry in ClinVar:

ClinVar aggregate classification (germline): Likely pathogenic (1 of 4 stars; one submission).

Submission:

CeGaT Center for Human Genetics Tuebingen
Classification: Likely pathogenic. Last evaluated: 2025-04-01. Review status: criteria provided, single submitter. Criteria: CeGaT Center For Human Genetics Tuebingen Variant Classification Criteria Version 2. Collection method: clinical testing. Allele origin: germline. Affected: yes. Observed: 1 variant allele.
Comment: TTN: PVS1:Strong, PM2

NM_001267550.2(TTN):c.49116G>A (p.Trp16372Ter)

Genes: TTN (titin; minus strand), TTN-AS1 (TTN antisense RNA 1; plus strand), LOC126806426 (BRD4-independent group 4 enhancer GRCh37_chr2:179478848-179480047; plus strand). Cytogenetic location: 2q31.2.
Variant type: single nucleotide variant.
Coding change: c.49116G>A on transcript NM_001267550.2 (MANE Select); coding-DNA position 49116, G replaced by A.
Protein change: p.Trp16372Ter; replaces tryptophan 16372 with a stop codon.
Molecular consequence: nonsense. On other transcripts: non-coding transcript variant (1).
Genome position (GRCh38, 1-based): chr2:178,614,281, C>T on the plus strand (G>A on the coding strand, the complement: TTN is on the minus strand). VCF-style: chr2-178614281-C-T. GRCh37 (hg19) VCF-style: chr2-179479008-C-T.
Other names: c.44193G>A, p.Trp14731Ter (NM_001256850.1); c.21921G>A, p.Trp7307Ter (NM_003319.4); c.41412G>A, p.Trp13804Ter (NM_133378.4); c.22296G>A, p.Trp7432Ter (NM_133432.3); c.22497G>A, p.Trp7499Ter (NM_133437.4); short protein forms W13804*, W14731*, W16372*, W7307*, W7432*, W7499*.
Identifiers: ClinVar variation 3898724 (VCV003898724.7).